The following is an entry in ClinVar:

NM_001394073.1(HS6ST2):c.1205C>G (p.Pro402Arg)

Gene: HS6ST2 (heparan sulfate 6-O-sulfotransferase 2; minus strand). Cytogenetic location: Xq26.2.
Variant type: single nucleotide variant.
Coding change: c.1205C>G on transcript NM_001394073.1 (MANE Select); coding-DNA position 1205, C replaced by G.
Protein change: p.Pro402Arg; replaces proline 402 with arginine.
Molecular consequence: missense variant.
Genome position (GRCh38, 1-based): chrX:132,628,956, G>C on the plus strand (C>G on the coding strand, the complement: HS6ST2 is on the minus strand). VCF-style: chrX-132628956-G-C. GRCh37 (hg19) VCF-style: chrX-131762984-G-C.
Other names: c.1205C>G, p.Pro402Arg (NM_001077188.2); c.1085C>G, p.Pro362Arg (NM_001394074.1, NM_147175.4); short protein forms P362R, P402R.
Identifiers: ClinVar variation 4535418 (VCV004535418.6).

ClinVar aggregate classification (germline): Uncertain significance (1 of 4 stars; one submission).

Submission:

CeGaT Center for Human Genetics Tuebingen
Classification: Uncertain significance. Last evaluated: 2025-12-01. Review status: criteria provided, single submitter. Criteria: CeGaT Center For Human Genetics Tuebingen Variant Classification Criteria Version 2. Collection method: clinical testing. Allele origin: germline. Affected: yes. Observed: 1 variant allele.
Comment: HS6ST2: PM2, PP3